The following is an entry in ClinVar:

ClinVar aggregate classification (germline): Pathogenic/Likely pathogenic. Review status: criteria provided, multiple submitters, no conflicts (2 of 4 stars). 2 submissions from 2 submitters: Pathogenic (1); Likely pathogenic (1). Last evaluated 2025-09-04.

Conditions:
Mast syndrome. Also called: SPASTIC PARAPLEGIA 21, AUTOSOMAL RECESSIVE. Identifiers: Orphanet 101001, MedGen C1855346, MONDO:0009568, OMIM 248900.

Allele frequency attached by ClinVar (database versions not stated): gnomAD exomes below 0.00001; gnomAD 0.00001; TOPMed 0.00001.

Submissions (2):

Mayo Clinic Laboratories, Mayo Clinic
Classification: Likely pathogenic. Last evaluated: 2025-09-04. Review status: criteria provided, single submitter. Criteria: ACMG Guidelines, 2015. Collection method: clinical testing. Allele origin: germline. Observed: 1 variant allele.
Comment: PM2_supporting, PVS1

Labcorp Genetics (formerly Invitae), Labcorp
Classification: Pathogenic for Mast syndrome. Last evaluated: 2022-03-09. Review status: criteria provided, single submitter. Criteria: Invitae Variant Classification Sherloc (09022015). Collection method: clinical testing. Allele origin: germline.
Comment: ClinVar contains an entry for this variant (Variation ID: 573980). For these reasons, this variant has been classified as Pathogenic. This variant has not been reported in the literature in individuals affected with SPG21-related conditions. This variant is not present in population databases (gnomAD no frequency). This sequence change creates a premature translational stop signal (p.Ser41Lysfs*49) in the SPG21 gene. It is expected to result in an absent or disrupted protein product. Loss-of-function variants in SPG21 are known to be pathogenic (PMID: 14564668).

Literature cited by the submitters: PubMed 14564668 (cited by Labcorp Genetics (formerly Invitae), Labcorp).

NM_016630.7(SPG21):c.119dup (p.Ser41fs)

Gene: SPG21 (SPG21 abhydrolase domain containing, maspardin; minus strand). Cytogenetic location: 15q22.31.
Variant type: Duplication.
Coding change: c.119dup on transcript NM_016630.7 (MANE Select); coding-DNA position 119, one base duplicated (G; older notation c.119dupG).
Protein change: p.Ser41fs; shifts the reading frame from serine 41.
Molecular consequence: frameshift variant.
Genome position (GRCh38, 1-based): chr15:64,980,970, C duplicated on the plus strand (G on the coding strand, the reverse complement: SPG21 is on the minus strand). VCF-style (leftmost placement, unchanged base first): chr15-64980969-T-TC. GRCh37 (hg19) VCF-style: chr15-65273307-T-TC.
Other names: p.Ser41Lysfs*49; c.119dup, p.Ser41fs (NM_001127889.5, NM_001127890.5); c.119dupG (NM_016630.6); short protein forms S41fs.
Identifiers: ClinVar variation 573980 (VCV000573980.10), dbSNP rs1332886505, ClinGen allele CA714861564.